The following is an entry in ClinVar:

ClinVar aggregate classification (germline): Uncertain significance (1 of 4 stars; one submission).

Allele frequency attached by ClinVar (database versions not stated): gnomAD exomes below 0.00001; TOPMed below 0.00001; gnomAD 0.00001.
gnomAD v4.1: 5 of 1,613,686 alleles (0.00031%); highest among the groups gnomAD compares: Non-Finnish European, 0.00042%; no homozygotes.

Submission:

Labcorp Genetics (formerly Invitae), Labcorp
Classification: Uncertain significance. Last evaluated: 2023-11-12. Review status: criteria provided, single submitter. Criteria: Invitae Variant Classification Sherloc (09022015). Collection method: clinical testing. Allele origin: germline.
Comment: This sequence change replaces glycine, which is neutral and non-polar, with tryptophan, which is neutral and slightly polar, at codon 2335 of the DCHS1 protein (p.Gly2335Trp). This variant is not present in population databases (gnomAD no frequency). This variant has not been reported in the literature in individuals affected with DCHS1-related conditions. Advanced modeling of protein sequence and biophysical properties (such as structural, functional, and spatial information, amino acid conservation, physicochemical variation, residue mobility, and thermodynamic stability) performed at Invitae indicates that this missense variant is expected to disrupt DCHS1 protein function with a positive predictive value of 80%. In summary, the available evidence is currently insufficient to determine the role of this variant in disease. Therefore, it has been classified as a Variant of Uncertain Significance.

NM_003737.4(DCHS1):c.7003G>T (p.Gly2335Trp)

Gene: DCHS1 (dachsous cadherin-related 1; minus strand). Cytogenetic location: 11p15.4.
Variant type: single nucleotide variant.
Coding change: c.7003G>T on transcript NM_003737.4 (MANE Select); coding-DNA position 7003, G replaced by T.
Protein change: p.Gly2335Trp; replaces glycine 2335 with tryptophan.
Molecular consequence: missense variant.
Genome position (GRCh38, 1-based): chr11:6,625,341, C>A on the plus strand (G>T on the coding strand, the complement: DCHS1 is on the minus strand). VCF-style: chr11-6625341-C-A. GRCh37 (hg19) VCF-style: chr11-6646572-C-A.
Other names: short protein forms G2335W.
Identifiers: ClinVar variation 2824866 (VCV002824866.3), dbSNP rs1855777025, ClinGen allele CA379484015.
Genomic context (GRCh38, chr11:6,625,341, plus strand): 5'-GCCCATCATGTGCCAGCAGCTGCAGCTGGTAGCGGTCACACTGCTCAAAGTCCAGGGGCC[C>A]CGTGAGGGAGACACGGCCTCCATAGCGGCCAACACTGAAGGGATCCTGGGGCCCAGATGG-3'
Protein context (NP_003728.1, residues 2325-2345): GRYGGRVSLT[Gly2335Trp]PLDFEQCDRY